The following is an entry in ClinVar:

NM_007194.4(CHEK2):c.847-3T>G

Gene: CHEK2 (checkpoint kinase 2; minus strand). Cytogenetic location: 22q12.1.
Variant type: single nucleotide variant.
Coding change: c.847-3T>G on transcript NM_007194.4 (MANE Select); 3 bases into the intron before coding-DNA position 847, T replaced by G.
Molecular consequence: intron variant.
Genome position (GRCh38, 1-based): chr22:28,703,569, A>C on the plus strand (T>G on the coding strand, the complement: CHEK2 is on the minus strand). VCF-style: chr22-28703569-A-C. GRCh37 (hg19) VCF-style: chr22-29099557-A-C.
Other names: c.184-3T>G (NM_001437942.1, NM_001257387.3); c.646-3T>G (NM_001349956.3); c.847-3T>G (NM_145862.3); c.940-3T>G (NM_001438295.1, NM_001438293.1); c.976-3T>G (NM_001438294.1, NM_001005735.3).
Identifiers: ClinVar variation 530177 (VCV000530177.10), dbSNP rs1159089063, ClinGen allele CA658799516.

ClinVar aggregate classification (germline): Uncertain significance. Review status: criteria provided, multiple submitters, no conflicts (2 of 4 stars). 2 submissions from 2 submitters: Uncertain significance (2). Last evaluated 2021-12-25.

Conditions:
Familial cancer of breast. Also called: BREAST CANCER, FAMILIAL; Hereditary breast cancer; hereditary breast carcinoma. Identifiers: Orphanet 227535, MedGen C0346153, MONDO:0016419, OMIM 114480. Disease mechanism: loss of function.

Submissions (2):

Labcorp Genetics (formerly Invitae), Labcorp
Classification: Uncertain significance for Familial cancer of breast. Last evaluated: 2021-12-25. Review status: criteria provided, single submitter. Criteria: Invitae Variant Classification Sherloc (09022015). Collection method: clinical testing. Allele origin: germline.
Comment: Variants that disrupt the consensus splice site are a relatively common cause of aberrant splicing (PMID: 17576681, 9536098). Algorithms developed to predict the effect of sequence changes on RNA splicing suggest that this variant may disrupt the consensus splice site. In summary, the available evidence is currently insufficient to determine the role of this variant in disease. Therefore, it has been classified as a Variant of Uncertain Significance. ClinVar contains an entry for this variant (Variation ID: 530177). This sequence change falls in intron 7 of the CHEK2 gene. It does not directly change the encoded amino acid sequence of the CHEK2 protein. It affects a nucleotide within the consensus splice site. This variant is not present in population databases (gnomAD no frequency). This variant has not been reported in the literature in individuals affected with CHEK2-related conditions.

Mendelics
Classification: Uncertain significance for Familial cancer of breast. Last evaluated: 2019-05-28. Review status: criteria provided, single submitter. Criteria: Mendelics Assertion Criteria 2017. Collection method: clinical testing. Allele origin: unknown.

Literature cited by the submitters: PubMed 17576681 (cited by Labcorp Genetics (formerly Invitae), Labcorp); PubMed 9536098 (cited by Labcorp Genetics (formerly Invitae), Labcorp).